The following is an entry in ClinVar:

NM_006441.4(MTHFS):c.10_25dup (p.Ala9fs)

Genes: MTHFS (methenyltetrahydrofolate synthetase; minus strand), ST20-MTHFS (ST20-MTHFS readthrough; minus strand). Cytogenetic location: 15q25.1.
Variant type: Duplication.
Coding change: c.10_25dup on transcript NM_006441.4 (MANE Select); coding-DNA positions 10 to 25, 16 bases duplicated (GCAGCGGTGAGCAGCG).
Protein change: p.Ala9fs; shifts the reading frame from alanine 9.
Molecular consequence: frameshift variant. On other transcripts: non-coding transcript variant (1), intron variant (2).
Genome position (GRCh38, 1-based): chr15:79,896,964-79,896,979, CGCTGCTCACCGCTGC duplicated on the plus strand (GCAGCGGTGAGCAGCG on the coding strand, the reverse complement: MTHFS is on the minus strand); duplicating any 16 consecutive bases within chr15:79,896,964-79,896,982 gives the same sequence; the c. name uses the placement nearest the transcript's 3' end. VCF-style (leftmost placement, unchanged base first): chr15-79896963-G-GCGCTGCTCACCGCTGC. GRCh37 (hg19) VCF-style: chr15-80189305-G-GCGCTGCTCACCGCTGC.
Other names: c.10_25dup16 (NM_006441.4); c.46-7625_46-7610dup (NM_001199760.2); c.-55+182_-55+197dup (NM_001199758.1); short protein forms A9fs.
Identifiers: ClinVar variation 2875670 (VCV002875670.4), dbSNP rs765726078, ClinGen allele CA7690390.

ClinVar aggregate classification (germline): Pathogenic. Review status: criteria provided, multiple submitters, no conflicts (2 of 4 stars). 2 submissions from 2 submitters: Pathogenic (2). Last evaluated 2025-06-12.

Conditions:
Neurodevelopmental disorder with microcephaly, epilepsy, and hypomyelination. Identifiers: Orphanet 597874, MedGen C5193057, MONDO:0032705, OMIM 618367.

Submissions (2):

Labcorp Genetics (formerly Invitae), Labcorp
Classification: Pathogenic. Last evaluated: 2025-06-12. Review status: criteria provided, single submitter. Criteria: Invitae Variant Classification Sherloc (09022015). Collection method: clinical testing. Allele origin: germline.
Comment: This sequence change creates a premature translational stop signal (p.Ala9Glyfs*42) in the MTHFS gene. It is expected to result in an absent or disrupted protein product. Loss-of-function variants in MTHFS are known to be pathogenic (PMID: 30031689, 31844630). This variant is present in population databases (rs765726078, gnomAD 0.007%). This premature translational stop signal has been observed in individual(s) with MTHFS-related conditions (PMID: 35599849). ClinVar contains an entry for this variant (Variation ID: 2875670). For these reasons, this variant has been classified as Pathogenic.

Women's Health and Genetics/Laboratory Corporation of America, LabCorp
Classification: Pathogenic for Neurodevelopmental disorder with microcephaly, epilepsy, and hypomyelination. Last evaluated: 2024-08-23. Review status: criteria provided, single submitter. Criteria: LabCorp Variant Classification Summary - May 2015. Collection method: clinical testing. Allele origin: germline.
Comment: Variant summary: MTHFS c.10_25dup16 (p.Ala9GlyfsX42) results in a premature termination codon, predicted to cause a truncation of the encoded protein or absence of the protein due to nonsense mediated decay, which are commonly known mechanisms for disease. The variant allele was found at a frequency of 1.5e-05 in 130504 control chromosomes. c.10_25dup16 has been reported in the literature in individuals affected with MTHFS related disorder (Elliott_2022). These data indicate that the variant may be associated with disease. To our knowledge, no experimental evidence demonstrating an impact on protein function has been reported. The following publication have been ascertained in the context of this evaluation (PMID: 35599849). ClinVar contains an entry for this variant (Variation ID: 2875670). Based on the evidence outlined above, the variant was classified as pathogenic.

Literature cited by the submitters: PubMed 30031689 (cited by Labcorp Genetics (formerly Invitae), Labcorp); PubMed 31844630 (cited by Labcorp Genetics (formerly Invitae), Labcorp); PubMed 35599849 (cited by Labcorp Genetics (formerly Invitae), Labcorp and Women's Health and Genetics/Laboratory Corporation of America, LabCorp).